The following is an entry in ClinVar:

NM_000393.5(COL5A2):c.1924-4C>G

Gene: COL5A2 (collagen type V alpha 2 chain; minus strand). Cytogenetic location: 2q32.2.
Variant type: single nucleotide variant.
Coding change: c.1924-4C>G on transcript NM_000393.5 (MANE Select); 4 bases into the intron before coding-DNA position 1924, C replaced by G.
Molecular consequence: intron variant.
Genome position (GRCh38, 1-based): chr2:189,062,922, G>C on the plus strand (C>G on the coding strand, the complement: COL5A2 is on the minus strand). VCF-style: chr2-189062922-G-C. GRCh37 (hg19) VCF-style: chr2-189927648-G-C.
Identifiers: ClinVar variation 576400 (VCV000576400.10), dbSNP rs1559085578, ClinGen allele CA891842769.
Genomic context (GRCh38, chr2:189,062,922, plus strand): 5'-TACCGGCGGGCCCACAGGACCAGAAGGACCAACTTCACCATCTTTTCCAGGAGCTCCCTA[G>C]TATCACACACAGATATTTGTGAGGTGAGTCTATGATAATTTAAATAGTACCTACATTATT-3'

ClinVar aggregate classification (germline): Pathogenic (1 of 4 stars; one submission).

Conditions:
Ehlers-Danlos syndrome, classic type, 1 (EDSCL1). Also called: Ehlers-Danlos Syndrome, Classic Type, COL5A1-Related; EDS I; Ehlers-Danlos syndrome, type 1; EHLERS-DANLOS SYNDROME, GRAVIS TYPE; EHLERS-DANLOS SYNDROME, SEVERE CLASSIC TYPE. Identifiers: MedGen C0268335, MONDO:0019567, OMIM 130000.

Submission:

Labcorp Genetics (formerly Invitae), Labcorp
Classification: Pathogenic for Ehlers-Danlos syndrome, classic type, 1. Last evaluated: 2018-04-20. Review status: criteria provided, single submitter. Criteria: Invitae Variant Classification Sherloc (09022015). Collection method: clinical testing. Allele origin: germline.
Comment: This sequence change falls in intron 28 of the COL5A2 gene. It does not directly change the encoded amino acid sequence of the COL5A2 protein. For these reasons, this variant has been classified as Pathogenic. Algorithms developed to predict the effect of sequence changes on RNA splicing suggest that this variant may disrupt the consensus splice site, but this prediction has not been confirmed by published transcriptional studies. This variant is not present in population databases (ExAC no frequency).